The following is an entry in ClinVar:

ClinVar aggregate classification (germline): Uncertain significance. Review status: criteria provided, multiple submitters, no conflicts (2 of 4 stars). 2 submissions from 2 submitters: Uncertain significance (2). Last evaluated 2024-12-13.

Conditions:
Cardiovascular phenotype. Identifiers: MedGen CN230736.
Long QT syndrome (LQTS). Identifiers: MedGen C0023976, MeSH D008133, MONDO:0002442. Disease mechanism: loss of function. Inheritance: Various modes of inheritance.

Allele frequency attached by ClinVar (database versions not stated): gnomAD exomes below 0.00001; gnomAD 0.00001; TOPMed 0.00002.
gnomAD v4.1: 4 of 1,613,974 alleles (0.00025%); highest among the groups gnomAD compares: African/African-American, 0.0027%; no homozygotes.

Submissions (2):

Ambry Genetics
Classification: Uncertain significance for Cardiovascular phenotype. Last evaluated: 2024-12-13. Review status: criteria provided, single submitter. Criteria: Ambry Variant Classification Scheme 2023. Collection method: clinical testing. Allele origin: germline.
Comment: The p.D3198G variant (also known as c.9593A>G), located in coding exon 40 of the AKAP9 gene, results from an A to G substitution at nucleotide position 9593. The aspartic acid at codon 3198 is replaced by glycine, an amino acid with similar properties. This amino acid position is conserved. In addition, this alteration is predicted to be tolerated by in silico analysis. Since supporting evidence is limited at this time, the clinical significance of this alteration remains unclear.

Labcorp Genetics (formerly Invitae), Labcorp
Classification: Uncertain significance for Long QT syndrome. Last evaluated: 2022-08-16. Review status: criteria provided, single submitter. Criteria: Invitae Variant Classification Sherloc (09022015). Collection method: clinical testing. Allele origin: germline.
Comment: In summary, the available evidence is currently insufficient to determine the role of this variant in disease. Therefore, it has been classified as a Variant of Uncertain Significance. Algorithms developed to predict the effect of sequence changes on RNA splicing suggest that this variant may create or strengthen a splice site. Algorithms developed to predict the effect of missense changes on protein structure and function are either unavailable or do not agree on the potential impact of this missense change (SIFT: "Tolerated"; PolyPhen-2: "Probably Damaging"; Align-GVGD: "Class C0"). This variant has not been reported in the literature in individuals affected with AKAP9-related conditions. This variant is present in population databases (no rsID available, gnomAD 0.007%). This sequence change replaces aspartic acid, which is acidic and polar, with glycine, which is neutral and non-polar, at codon 3198 of the AKAP9 protein (p.Asp3198Gly).

NM_005751.5(AKAP9):c.9593A>G (p.Asp3198Gly)

Gene: AKAP9 (A-kinase anchoring protein 9; plus strand). Cytogenetic location: 7q21.2.
Variant type: single nucleotide variant.
Coding change: c.9593A>G on transcript NM_005751.5 (MANE Select); coding-DNA position 9593, A replaced by G.
Protein change: p.Asp3198Gly; replaces aspartic acid 3198 with glycine.
Molecular consequence: missense variant.
Genome position (GRCh38, 1-based): chr7:92,095,037, A>G. VCF-style: chr7-92095037-A-G. GRCh37 (hg19) VCF-style: chr7-91724351-A-G.
Other names: c.4238A>G, p.Asp1413Gly (NM_001379277.1); c.9569A>G, p.Asp3190Gly (NM_147185.3); short protein forms D1413G, D3198G, D3190G.
Identifiers: ClinVar variation 1767487 (VCV001767487.8), dbSNP rs1037309802, ClinGen allele CA161895671.